The following is an entry in ClinVar:

ClinVar aggregate classification (germline): Uncertain significance (1 of 4 stars; one submission).

Conditions:
Inborn genetic diseases. Identifiers: MedGen C0950123, MeSH D030342.

gnomAD v4.1: 1 of 1,581,260 alleles (0.000063%); highest among the groups gnomAD compares: Non-Finnish European, 0.000086%; no homozygotes.

Submission:

Ambry Genetics
Classification: Uncertain significance for Inborn genetic diseases. Last evaluated: 2025-09-07. Review status: criteria provided, single submitter. Criteria: Ambry Variant Classification Scheme 2023. Collection method: clinical testing. Allele origin: germline.
Comment: The p.G149R variant (also known as c.445G>C), located in coding exon 2 of the GATA2 gene, results from a G to C substitution at nucleotide position 445. The glycine at codon 149 is replaced by arginine, an amino acid with dissimilar properties. This amino acid position is highly conserved in available vertebrate species. In addition, the in silico prediction for this alteration is inconclusive. Based on the available evidence, the clinical significance of this variant remains unclear.

NM_032638.5(GATA2):c.445G>C (p.Gly149Arg)

Gene: GATA2 (GATA binding protein 2; minus strand). Cytogenetic location: 3q21.3.
Variant type: single nucleotide variant.
Coding change: c.445G>C on transcript NM_032638.5 (MANE Select); coding-DNA position 445, G replaced by C.
Protein change: p.Gly149Arg; replaces glycine 149 with arginine.
Molecular consequence: missense variant.
Genome position (GRCh38, 1-based): chr3:128,486,153, C>G on the plus strand (G>C on the coding strand, the complement: GATA2 is on the minus strand). VCF-style: chr3-128486153-C-G. GRCh37 (hg19) VCF-style: chr3-128204996-C-G.
Other names: c.445G>C, p.Gly149Arg (NM_001145661.2, NM_001145662.1); short protein forms G149R.
Identifiers: ClinVar variation 4262150 (VCV004262150.1).
Genomic context (GRCh38, chr3:128,486,153, plus strand): 5'-GGGAGCCAGAGTGGGCTGCTGTAGGGGTGAGGGAGGCCACTGAGCTCCCGCTGCCTCCCC[C>G]GCTCCCACCCCCAGCCCCTGGGTACACAGAGAGTGGGCCTCCAGGGCCTCCAGCAGCTGA-3'
Protein context (NP_116027.2, residues 139-159): SVYPGAGGGS[Gly149Arg]GGSGSSVASL